The following is an entry in ClinVar:

NC_000001.11:g.(?_23691814)_(23696383_?)del

Genes: RPL11 (ribosomal protein L11; plus strand), LOC129929673 (ATAC-STARR-seq lymphoblastoid active region 374; plus strand). Cytogenetic location: 1p36.11.
Variant type: Deletion.
Identifiers: ClinVar variation 583762 (VCV000583762.2).

ClinVar aggregate classification (germline): Pathogenic (1 of 4 stars; one submission).

Conditions:
Diamond-Blackfan anemia. Also called: Aase syndrome; Blackfan Diamond syndrome; Aregenerative anemia chronic congenital; Red cell aplasia, pure hereditary; Congenital hypoplastic anemia. Identifiers: Orphanet 124, MedGen C1260899, MeSH D029503, MONDO:0015253, HP:0004810.

Submission:

Labcorp Genetics (formerly Invitae), Labcorp
Classification: Pathogenic for Diamond-Blackfan anemia. Last evaluated: 2018-09-21. Review status: criteria provided, single submitter. Criteria: Invitae Variant Classification Sherloc (09022015). Collection method: clinical testing. Allele origin: germline.
Comment: A gross deletion of the genomic region encompassing the full coding sequence of the RPL11 gene has been identified. The boundaries of this event are unknown as the deletion extends beyond the assayed region for this gene and therefore may encompass additional genes. This variant has been observed in individuals affected with Diamond-Blackfan anemiaÂ¬â€ (PMID:Â¬â€ 22689679). Loss-of-function variants in RPL11 are known to be pathogenic (PMID: 19773262, 19061985). For these reasons, this variant has been classified as Pathogenic.